The following is an entry in ClinVar:

NM_000260.4(MYO7A):c.1267_1270del (p.Ser423fs)

Gene: MYO7A (myosin VIIA; plus strand). Cytogenetic location: 11q13.5.
Variant type: Microsatellite.
Coding change: c.1267_1270del on transcript NM_000260.4 (MANE Select); coding-DNA positions 1267 to 1270, 4 bases deleted (TCCC; older notation c.1267_1270delTCCC).
Protein change: p.Ser423fs; shifts the reading frame from serine 423.
Molecular consequence: frameshift variant.
Genome position (GRCh38, 1-based): chr11:77,161,039-77,161,042, TCCC deleted; deleting any 4 consecutive bases within chr11:77,161,033-77,161,042 gives the same sequence; the c. name uses the placement nearest the transcript's 3' end. VCF-style (leftmost placement, unchanged base first): chr11-77161032-GCCTC-G. GRCh37 (hg19) VCF-style: chr11-76872078-GCCTC-G.
Other names: c.1267_1270del (NM_000260.3); c.1267_1270del, p.Ser423fs (NM_001127180.2); c.1234_1237del, p.Ser412fs (NM_001369365.1); short protein forms S412fs, S423fs.
Identifiers: ClinVar variation 3234945 (VCV003234945.3), dbSNP rs782198012, ClinGen allele CA6197440.

ClinVar aggregate classification (germline): Likely pathogenic. Review status: criteria provided, multiple submitters, no conflicts (2 of 4 stars). 2 submissions from 2 submitters: Likely pathogenic (2). Last evaluated 2025-05-05.

Conditions:
Usher syndrome type 1B (USH1B). Also called: Usher syndrome type IB. Identifiers: MedGen C1848638, MONDO:0700087.
Autosomal recessive nonsyndromic hearing loss 2. Also called: DEAFNESS, AUTOSOMAL RECESSIVE 2; NEUROSENSORY NONSYNDROMIC RECESSIVE DEAFNESS 2. Identifiers: Orphanet 90636, MedGen C1838701, MONDO:0010807, OMIM 600060.

Submissions (2):

Natera, Inc.
Classification: Likely pathogenic for Usher syndrome type 1B. Last evaluated: 2025-05-05. Review status: criteria provided, single submitter. Criteria: Natera Variant Classification Schema (03/2026). Collection method: clinical testing. Allele origin: germline.
Comment: The c.1267_1270del variant in MYO7A is a frameshift variant predicted to shift the reading frame beginning at codon 423 and leads to a stop codon 3 codons downstream. This variant is expected to result in nonsense mediated decay, truncation, or a dysfunctional protein product. This variant is rare in the general population with a frequency below the threshold expected for the associated phenotype(s). Given the available evidence, this variant is classified as Likely Pathogenic.

Neuberg Centre For Genomic Medicine, NCGM
Classification: Likely pathogenic for Autosomal recessive nonsyndromic hearing loss 2. Review status: criteria provided, single submitter. Criteria: ACMG Guidelines, 2015. Collection method: clinical testing. Allele origin: germline. Inheritance: Autosomal recessive inheritance. Affected: yes.